The following is an entry in ClinVar:

ClinVar aggregate classification (germline): Uncertain significance. Review status: criteria provided, multiple submitters, no conflicts (2 of 4 stars). 2 submissions from 2 submitters: Uncertain significance (2). Last evaluated 2025-05-19.

Conditions:
Inborn genetic diseases. Identifiers: MedGen C0950123, MeSH D030342.
Episodic ataxia type 2 (EA2). Also called: ATAXIA, EPISODIC, WITH NYSTAGMUS; ATAXIA, FAMILIAL PAROXYSMAL; CEREBELLAR ATAXIA, PAROXYSMAL, ACETAZOLAMIDE-RESPONSIVE; CEREBELLOPATHY, HEREDITARY PAROXYSMAL; EPISODIC ATAXIA, NYSTAGMUS-ASSOCIATED; ACETAZOLAMIDE-RESPONSIVE HEREDITARY PAROXYSMAL CEREBELLAR ATAXIA. Identifiers: Orphanet 97, MedGen C1720416, MONDO:0007163, OMIM 108500.
Developmental and epileptic encephalopathy, 42 (DEE42A). Also called: Epileptic encephalopathy, early infantile, 42; DEVELOPMENTAL AND EPILEPTIC ENCEPHALOPATHY 42A; EPILEPTIC ENCEPHALOPATHY, EARLY INFANTILE, 42A. Identifiers: MedGen C4310716, MONDO:0014917, OMIM 617106.

Allele frequency attached by ClinVar (database versions not stated): TOPMed 0.00001.

Submissions (2):

Labcorp Genetics (formerly Invitae), Labcorp
Classification: Uncertain significance for Developmental and epileptic encephalopathy, 42; Episodic ataxia type 2. Last evaluated: 2025-05-19. Review status: criteria provided, single submitter. Criteria: Invitae Variant Classification Sherloc (09022015). Collection method: clinical testing. Allele origin: germline.
Comment: This sequence change replaces methionine, which is neutral and non-polar, with valine, which is neutral and non-polar, at codon 1113 of the CACNA1A protein (p.Met1113Val). This variant is not present in population databases (gnomAD no frequency). This variant has not been reported in the literature in individuals affected with CACNA1A-related conditions. ClinVar contains an entry for this variant (Variation ID: 1941026). Invitae Evidence Modeling of protein sequence and biophysical properties (such as structural, functional, and spatial information, amino acid conservation, physicochemical variation, residue mobility, and thermodynamic stability) indicates that this missense variant is not expected to disrupt CACNA1A protein function with a negative predictive value of 95%. In summary, the available evidence is currently insufficient to determine the role of this variant in disease. Therefore, it has been classified as a Variant of Uncertain Significance.

Ambry Genetics
Classification: Uncertain significance for Inborn genetic diseases. Last evaluated: 2024-11-11. Review status: criteria provided, single submitter. Criteria: Ambry Variant Classification Scheme 2023. Collection method: clinical testing. Allele origin: germline.

NM_001127222.2(CACNA1A):c.3334A>G (p.Met1112Val)

Gene: CACNA1A (calcium voltage-gated channel subunit alpha1 A; minus strand). Cytogenetic location: 19p13.13.
Variant type: single nucleotide variant.
Coding change: c.3334A>G on transcript NM_001127222.2 (MANE Select); coding-DNA position 3334, A replaced by G.
Protein change: p.Met1112Val; replaces methionine 1112 with valine.
Molecular consequence: missense variant.
Genome position (GRCh38, 1-based): chr19:13,286,722, T>C on the plus strand (A>G on the coding strand, the complement: CACNA1A is on the minus strand). VCF-style: chr19-13286722-T-C. GRCh37 (hg19) VCF-style: chr19-13397536-T-C.
Other names: c.3337A>G, p.Met1113Val (NM_001127221.2, NM_001174080.2); c.3346A>G, p.Met1116Val (NM_023035.3, NM_000068.4); short protein forms M1112V, M1113V, M1116V.
Identifiers: ClinVar variation 1941026 (VCV001941026.6), dbSNP rs755317765, ClinGen allele CA404341576.